The following is an entry in ClinVar:

ClinVar aggregate classification (germline): Uncertain significance. Review status: criteria provided, multiple submitters, no conflicts (2 of 4 stars). 2 submissions from 2 submitters: Uncertain significance (2). Last evaluated 2025-06-07.

Conditions:
Inborn genetic diseases. Identifiers: MedGen C0950123, MeSH D030342.
Pityriasis rubra pilaris (PRP). Also called: Pityriasis rubra pilaris--familial type. Identifiers: Orphanet 2897, MedGen C0032027, MONDO:0100017, OMIM 173200, MONDO:0008251.
Psoriasis 2. Identifiers: MedGen C1864497, MONDO:0011269, OMIM 602723.

Allele frequency attached by ClinVar (database versions not stated): gnomAD exomes below 0.00001.
gnomAD v4.1: 1 of 1,614,116 alleles (0.000062%); highest among the groups gnomAD compares: Non-Finnish European, 0.000085%; no homozygotes.

Submissions (2):

Ambry Genetics
Classification: Uncertain significance for Inborn genetic diseases. Last evaluated: 2025-06-07. Review status: criteria provided, single submitter. Criteria: Ambry Variant Classification Scheme 2023. Collection method: clinical testing. Allele origin: germline.

Labcorp Genetics (formerly Invitae), Labcorp
Classification: Uncertain significance for Pityriasis rubra pilaris; Psoriasis 2. Last evaluated: 2021-01-28. Review status: criteria provided, single submitter. Criteria: Invitae Variant Classification Sherloc (09022015). Collection method: clinical testing. Allele origin: germline.
Comment: This variant is not present in population databases (ExAC no frequency). In summary, the available evidence is currently insufficient to determine the role of this variant in disease. Therefore, it has been classified as a Variant of Uncertain Significance. Algorithms developed to predict the effect of missense changes on protein structure and function are either unavailable or do not agree on the potential impact of this missense change (SIFT: "Deleterious"; PolyPhen-2: "Probably Damaging"; Align-GVGD: "Class C0"). This variant has not been reported in the literature in individuals with CARD14-related conditions. This sequence change replaces lysine with threonine at codon 78 of the CARD14 protein (p.Lys78Thr). The lysine residue is moderately conserved and there is a moderate physicochemical difference between lysine and threonine.

NM_001366385.1(CARD14):c.233A>C (p.Lys78Thr)

Gene: CARD14 (caspase recruitment domain family member 14; plus strand). Cytogenetic location: 17q25.3.
Variant type: single nucleotide variant.
Coding change: c.233A>C on transcript NM_001366385.1 (MANE Select); coding-DNA position 233, A replaced by C.
Protein change: p.Lys78Thr; replaces lysine 78 with threonine.
Molecular consequence: missense variant. On other transcripts: non-coding transcript variant (1).
Genome position (GRCh38, 1-based): chr17:80,182,674, A>C. VCF-style: chr17-80182674-A-C. GRCh37 (hg19) VCF-style: chr17-78156473-A-C.
Other names: c.233A>C, p.Lys78Thr (NM_001257970.1, NM_024110.4); c.233A>C (NM_024110.3); short protein forms K78T.
Identifiers: ClinVar variation 1518944 (VCV001518944.9), dbSNP rs2144164269, ClinGen allele CA401332498.